The following is an entry in ClinVar:

NM_000390.4(CHM):c.1069G>A (p.Ala357Thr)

Gene: CHM (CHM Rab escort protein; minus strand). Cytogenetic location: Xq21.2.
Variant type: single nucleotide variant.
Coding change: c.1069G>A on transcript NM_000390.4 (MANE Select); coding-DNA position 1069, G replaced by A.
Protein change: p.Ala357Thr; replaces alanine 357 with threonine.
Molecular consequence: missense variant.
Genome position (GRCh38, 1-based): chrX:85,956,250, C>T on the plus strand (G>A on the coding strand, the complement: CHM is on the minus strand). VCF-style: chrX-85956250-C-T. GRCh37 (hg19) VCF-style: chrX-85211255-C-T.
Other names: c.625G>A, p.Ala209Thr (NM_001320959.1, NM_001362517.1, NM_001362518.2 and 1 more transcripts); short protein forms A209T, A357T.
Identifiers: ClinVar variation 1715139 (VCV001715139.5), dbSNP rs2520252472, ClinGen allele CA413785099.

ClinVar aggregate classification (germline): Uncertain significance (1 of 4 stars; one submission).

Submission:

Labcorp Genetics (formerly Invitae), Labcorp
Classification: Uncertain significance. Last evaluated: 2023-08-17. Review status: criteria provided, single submitter. Criteria: Invitae Variant Classification Sherloc (09022015). Collection method: clinical testing. Allele origin: germline.
Comment: This sequence change replaces alanine, which is neutral and non-polar, with threonine, which is neutral and polar, at codon 357 of the CHM protein (p.Ala357Thr). In summary, the available evidence is currently insufficient to determine the role of this variant in disease. Therefore, it has been classified as a Variant of Uncertain Significance. Advanced modeling of protein sequence and biophysical properties (such as structural, functional, and spatial information, amino acid conservation, physicochemical variation, residue mobility, and thermodynamic stability) performed at Invitae indicates that this missense variant is not expected to disrupt CHM protein function. ClinVar contains an entry for this variant (Variation ID: 1715139). This variant has not been reported in the literature in individuals affected with CHM-related conditions. This variant is not present in population databases (gnomAD no frequency).